The following is an entry in ClinVar:

NM_003801.4(GPAA1):c.1348C>T (p.His450Tyr)

Gene: GPAA1 (glycosylphosphatidylinositol anchor attachment 1; plus strand). Cytogenetic location: 8q24.3.
Variant type: single nucleotide variant.
Coding change: c.1348C>T on transcript NM_003801.4 (MANE Select); coding-DNA position 1348, C replaced by T.
Protein change: p.His450Tyr; replaces histidine 450 with tyrosine.
Molecular consequence: missense variant.
Genome position (GRCh38, 1-based): chr8:144,085,376, C>T. VCF-style: chr8-144085376-C-T. GRCh37 (hg19) VCF-style: chr8-145140279-C-T.
Other names: short protein forms H450Y.
Identifiers: ClinVar variation 1511836 (VCV001511836.5), dbSNP rs868941890, ClinGen allele CA187610624.

ClinVar aggregate classification (germline): Uncertain significance (1 of 4 stars; one submission).

Allele frequency attached by ClinVar (database versions not stated): gnomAD exomes below 0.00001; gnomAD 0.00002 and 0.00003; TOPMed 0.00002.
gnomAD v4.1: 5 of 1,608,670 alleles (0.00031%); highest among the groups gnomAD compares: Admixed American, 0.005%; no homozygotes.

Submission:

Labcorp Genetics (formerly Invitae), Labcorp
Classification: Uncertain significance. Last evaluated: 2024-02-24. Review status: criteria provided, single submitter. Criteria: Invitae Variant Classification Sherloc (09022015). Collection method: clinical testing. Allele origin: germline.
Comment: This sequence change replaces histidine, which is basic and polar, with tyrosine, which is neutral and polar, at codon 450 of the GPAA1 protein (p.His450Tyr). This variant is not present in population databases (gnomAD no frequency). This variant has not been reported in the literature in individuals affected with GPAA1-related conditions. ClinVar contains an entry for this variant (Variation ID: 1511836). Advanced modeling of protein sequence and biophysical properties (such as structural, functional, and spatial information, amino acid conservation, physicochemical variation, residue mobility, and thermodynamic stability) performed at Invitae indicates that this missense variant is not expected to disrupt GPAA1 protein function with a negative predictive value of 80%. In summary, the available evidence is currently insufficient to determine the role of this variant in disease. Therefore, it has been classified as a Variant of Uncertain Significance.